The following is an entry in ClinVar:

NM_020822.3(KCNT1):c.2729+6T>C

Gene: KCNT1 (potassium sodium-activated channel subfamily T member 1; plus strand). Cytogenetic location: 9q34.3.
Variant type: single nucleotide variant.
Coding change: c.2729+6T>C on transcript NM_020822.3 (MANE Select); 6 bases into the intron after coding-DNA position 2729, T replaced by C.
Molecular consequence: intron variant.
Genome position (GRCh38, 1-based): chr9:135,778,828, T>C. VCF-style: chr9-135778828-T-C. GRCh37 (hg19) VCF-style: chr9-138670674-T-C.
Other names: c.2594+6T>C (NM_001272003.2).
Identifiers: ClinVar variation 4790682 (VCV004790682.1).

ClinVar aggregate classification (germline): Uncertain significance (1 of 4 stars; one submission).

Conditions:
Autosomal dominant nocturnal frontal lobe epilepsy 5. Also called: CILIARY DYSKINESIA, PRIMARY, 28, WITHOUT SITUS INVERSUS; CILIARY DYSKINESIA, PRIMARY, 28, WITH SITUS INVERSUS; KCNT1-Related Epilepsy; Epilepsy, nocturnal frontal lobe, 5. Identifiers: Orphanet 98784, MedGen C3554306, MONDO:0014002, OMIM 615005.
Developmental and epileptic encephalopathy, 14 (DEE14). Also called: Early infantile epileptic encephalopathy 14. Identifiers: Orphanet 293181, MedGen C3554195, MONDO:0013989, OMIM 614959.

Submission:

Labcorp Genetics (formerly Invitae), Labcorp
Classification: Uncertain significance for Autosomal dominant nocturnal frontal lobe epilepsy 5; Developmental and epileptic encephalopathy, 14. Last evaluated: 2025-04-14. Review status: criteria provided, single submitter. Criteria: Invitae Variant Classification Sherloc (09022015). Collection method: clinical testing. Allele origin: germline.
Comment: This sequence change falls in intron 23 of the KCNT1 gene. It does not directly change the encoded amino acid sequence of the KCNT1 protein. It affects a nucleotide within the consensus splice site. This variant is not present in population databases (gnomAD no frequency). This variant has not been reported in the literature in individuals affected with KCNT1-related conditions. Variants that disrupt the consensus splice site are a relatively common cause of aberrant splicing (PMID: 17576681, 9536098). Algorithms developed to predict the effect of sequence changes on RNA splicing suggest that this variant may disrupt the consensus splice site. In summary, the available evidence is currently insufficient to determine the role of this variant in disease. Therefore, it has been classified as a Variant of Uncertain Significance.

Literature cited by the submitters: PubMed 17576681; PubMed 9536098.